The following is an entry in ClinVar:

ClinVar aggregate classification (germline): Uncertain significance. Review status: criteria provided, multiple submitters, no conflicts (2 of 4 stars). 2 submissions from 2 submitters: Uncertain significance (2). Last evaluated 2024-04-04.

Conditions:
Lethal congenital glycogen storage disease of heart. Also called: PHOSPHORYLASE KINASE DEFICIENCY OF HEART; GLYCOGEN STORAGE DISEASE OF HEART. Identifiers: Orphanet 439854, MedGen C1849813, MONDO:0009867, OMIM 261740.
Cardiovascular phenotype. Identifiers: MedGen CN230736.

gnomAD v4.1: 1 of 1,614,104 alleles (0.000062%); highest among the groups gnomAD compares: Non-Finnish European, 0.000085%; no homozygotes.

Submissions (2):

Ambry Genetics
Classification: Uncertain significance for Cardiovascular phenotype. Last evaluated: 2024-04-04. Review status: criteria provided, single submitter. Criteria: Ambry Variant Classification Scheme 2023. Collection method: clinical testing. Allele origin: germline.
Comment: The p.E183Q variant (also known as c.547G>C), located in coding exon 4 of the PRKAG2 gene, results from a G to C substitution at nucleotide position 547. The glutamic acid at codon 183 is replaced by glutamine, an amino acid with highly similar properties. This amino acid position is conserved. In addition, the in silico prediction for this alteration is inconclusive. Based on the available evidence, the clinical significance of this variant remains unclear.

Labcorp Genetics (formerly Invitae), Labcorp
Classification: Uncertain significance for Lethal congenital glycogen storage disease of heart. Last evaluated: 2020-12-14. Review status: criteria provided, single submitter. Criteria: Invitae Variant Classification Sherloc (09022015). Collection method: clinical testing. Allele origin: germline.
Comment: This variant has not been reported in the literature in individuals with PRKAG2-related conditions. In summary, the available evidence is currently insufficient to determine the role of this variant in disease. Therefore, it has been classified as a Variant of Uncertain Significance. Algorithms developed to predict the effect of missense changes on protein structure and function are either unavailable or do not agree on the potential impact of this missense change (SIFT: "Tolerated"; PolyPhen-2: "Probably Damaging"; Align-GVGD: "Class C0"). This variant is not present in population databases (ExAC no frequency). This sequence change replaces glutamic acid with glutamine at codon 183 of the PRKAG2 protein (p.Glu183Gln). The glutamic acid residue is moderately conserved and there is a small physicochemical difference between glutamic acid and glutamine.

NM_016203.4(PRKAG2):c.547G>C (p.Glu183Gln)

Gene: PRKAG2 (protein kinase AMP-activated non-catalytic subunit gamma 2; minus strand). Cytogenetic location: 7q36.1.
Variant type: single nucleotide variant.
Coding change: c.547G>C on transcript NM_016203.4 (MANE Select); coding-DNA position 547, G replaced by C.
Protein change: p.Glu183Gln; replaces glutamic acid 183 with glutamine.
Molecular consequence: missense variant.
Genome position (GRCh38, 1-based): chr7:151,675,557, C>G on the plus strand (G>C on the coding strand, the complement: PRKAG2 is on the minus strand). VCF-style: chr7-151675557-C-G. GRCh37 (hg19) VCF-style: chr7-151372643-C-G.
Other names: c.415G>C, p.Glu139Gln (NM_001040633.2); c.175G>C, p.Glu59Gln (NM_001304527.2, NM_001363698.2); c.547G>C (NM_016203.3); short protein forms E139Q, E59Q, E183Q.
Identifiers: ClinVar variation 1402825 (VCV001402825.9), dbSNP rs1131692281, ClinGen allele CA370187930.